The following is an entry in ClinVar:

NM_001375834.1(WIPF1):c.244G>A (p.Gly82Arg)

Genes: WIPF1 (WAS/WASL interacting protein family member 1; minus strand), WIPF1-AS1 (WIPF1 and CHRNA1 antisense RNA 1; plus strand). Cytogenetic location: 2q31.1.
Variant type: single nucleotide variant.
Coding change: c.244G>A on transcript NM_001375834.1 (MANE Select); coding-DNA position 244, G replaced by A.
Protein change: p.Gly82Arg; replaces glycine 82 with arginine.
Molecular consequence: missense variant. On other transcripts: intron variant (1).
Genome position (GRCh38, 1-based): chr2:174,575,318, C>T on the plus strand (G>A on the coding strand, the complement: WIPF1 is on the minus strand). VCF-style: chr2-174575318-C-T. GRCh37 (hg19) VCF-style: chr2-175440046-C-T.
Other names: c.244G>A, p.Gly82Arg (NM_001077269.1, NM_001375832.1, NM_001375833.1 and 5 more transcripts); c.182-3073G>A (NM_001375839.1); short protein forms G82R.
Identifiers: ClinVar variation 1389539 (VCV001389539.5), dbSNP rs770105478, ClinGen allele CA1974189.

ClinVar aggregate classification (germline): Uncertain significance. Review status: criteria provided, multiple submitters, no conflicts (2 of 4 stars). 2 submissions from 2 submitters: Uncertain significance (2). Last evaluated 2025-08-25.

Conditions:
Inborn genetic diseases. Identifiers: MedGen C0950123, MeSH D030342.
Wiskott-Aldrich syndrome 2 (WAS2). Also called: WIPF1 DEFICIENCY. Identifiers: Orphanet 906, MedGen C3281001, MONDO:0013779, OMIM 614493.

Allele frequency attached by ClinVar (database versions not stated): TOPMed 0.00002; gnomAD 0.00001; ExAC 0.00002; gnomAD exomes 0.00002.
gnomAD v4.1: 69 of 1,613,814 alleles (0.0043%); highest among the groups gnomAD compares: Non-Finnish European, 0.005%; no homozygotes.

Submissions (2):

Ambry Genetics
Classification: Uncertain significance for Inborn genetic diseases. Last evaluated: 2025-08-25. Review status: criteria provided, single submitter. Criteria: Ambry Variant Classification Scheme 2023. Collection method: clinical testing. Allele origin: germline.

Labcorp Genetics (formerly Invitae), Labcorp
Classification: Uncertain significance for Wiskott-Aldrich syndrome 2. Last evaluated: 2022-08-04. Review status: criteria provided, single submitter. Criteria: Invitae Variant Classification Sherloc (09022015). Collection method: clinical testing. Allele origin: germline.
Comment: This sequence change replaces glycine, which is neutral and non-polar, with arginine, which is basic and polar, at codon 82 of the WIPF1 protein (p.Gly82Arg). This variant is present in population databases (rs770105478, gnomAD 0.007%). This variant has not been reported in the literature in individuals affected with WIPF1-related conditions. ClinVar contains an entry for this variant (Variation ID: 1389539). Algorithms developed to predict the effect of missense changes on protein structure and function are either unavailable or do not agree on the potential impact of this missense change (SIFT: "Not Available"; PolyPhen-2: "Possibly Damaging"; Align-GVGD: "Not Available"). In summary, the available evidence is currently insufficient to determine the role of this variant in disease. Therefore, it has been classified as a Variant of Uncertain Significance.